The following is an entry in ClinVar:

ClinVar aggregate classification (germline): Likely benign (1 of 4 stars; one submission).

Allele frequency attached by ClinVar (database versions not stated): TOPMed 0.00006; 1000 Genomes Project 30x 0.00042; 1000 Genomes Project 0.00053; gnomAD 0.00003; gnomAD exomes 0.00004; ExAC 0.00006.
gnomAD v4.1: 56 of 1,164,206 alleles (0.0048%); highest among the groups gnomAD compares: South Asian, 0.063%; no homozygotes.

Submission:

CeGaT Center for Human Genetics Tuebingen
Classification: Likely benign. Last evaluated: 2022-12-01. Review status: criteria provided, single submitter. Criteria: CeGaT Center For Human Genetics Tuebingen Variant Classification Criteria Version 2. Collection method: clinical testing. Allele origin: germline. Affected: yes. Observed: 1 variant allele.
Comment: BCORL1: BP4, BP7, BS2

NM_001379451.1(BCORL1):c.1092C>T (p.Ser364=)

Gene: BCORL1 (BCL6 corepressor like 1; plus strand). Cytogenetic location: Xq26.1.
Variant type: single nucleotide variant.
Coding change: c.1092C>T on transcript NM_001379451.1 (MANE Select); coding-DNA position 1092, C replaced by T.
Protein change: p.Ser364=; no amino-acid change (serine 364 retained).
Molecular consequence: synonymous variant.
Genome position (GRCh38, 1-based): chrX:130,013,864, C>T. VCF-style: chrX-130013864-C-T. GRCh37 (hg19) VCF-style: chrX-129147840-C-T.
Other names: c.1092C>T, p.Ser364= (NM_001184772.3, NM_001379450.1, NM_021946.5).
Identifiers: ClinVar variation 2661414 (VCV002661414.24), dbSNP rs747692788, ClinGen allele CA10514207.